The following is an entry in ClinVar:

ClinVar aggregate classification (germline): Uncertain significance (1 of 4 stars; one submission).

Allele frequency attached by ClinVar (database versions not stated): TOPMed below 0.00001.

Submission:

GeneDx
Classification: Uncertain significance. Last evaluated: 2022-06-20. Review status: criteria provided, single submitter. Criteria: GeneDx Variant Classification Process June 2021. Collection method: clinical testing. Allele origin: germline. Affected: yes.
Comment: Not observed at significant frequency in large population cohorts (gnomAD); In silico analysis supports that this missense variant does not alter protein structure/function; Has not been previously published as pathogenic or benign to our knowledge

NM_001039591.3(USP9X):c.5564G>A (p.Ser1855Asn)

Gene: USP9X (ubiquitin specific peptidase 9 X-linked; plus strand). Cytogenetic location: Xp11.4.
Variant type: single nucleotide variant.
Coding change: c.5564G>A on transcript NM_001039591.3 (MANE Select); coding-DNA position 5564, G replaced by A.
Protein change: p.Ser1855Asn; replaces serine 1855 with asparagine.
Molecular consequence: missense variant.
Genome position (GRCh38, 1-based): chrX:41,216,131, G>A. VCF-style: chrX-41216131-G-A. GRCh37 (hg19) VCF-style: chrX-41075384-G-A.
Other names: c.5564G>A, p.Ser1855Asn (NM_001039590.3); c.5579G>A, p.Ser1860Asn (NM_001410748.1, NM_001410749.1); short protein forms S1855N, S1860N.
Identifiers: ClinVar variation 1806755 (VCV001806755.1), dbSNP rs2063209813, ClinGen allele CA412791613.